The following is an entry in ClinVar:

ClinVar aggregate classification (germline): Uncertain significance (1 of 4 stars; one submission).

Conditions:
Genitopatellar syndrome (GTPTS). Also called: ABSENT PATELLAE, SCROTAL HYPOPLASIA, RENAL ANOMALIES, FACIAL DYSMORPHISM, AND MENTAL RETARDATION; Genitopatellar syndrome (GPS). Identifiers: Orphanet 85201, MedGen C1853566, MONDO:0011640, OMIM 606170.

gnomAD v4.1: 1 of 1,614,150 alleles (0.000062%); highest among the groups gnomAD compares: East Asian, 0.0022%; no homozygotes.

Submission:

Labcorp Genetics (formerly Invitae), Labcorp
Classification: Uncertain significance for Genitopatellar syndrome. Last evaluated: 2025-04-19. Review status: criteria provided, single submitter. Criteria: Invitae Variant Classification Sherloc (09022015). Collection method: clinical testing. Allele origin: germline.
Comment: This sequence change replaces lysine, which is basic and polar, with asparagine, which is neutral and polar, at codon 467 of the KAT6B protein (p.Lys467Asn). This variant is not present in population databases (gnomAD no frequency). This variant has not been reported in the literature in individuals affected with KAT6B-related conditions. An algorithm developed to predict the effect of missense changes on protein structure and function (PolyPhen-2) suggests that this variant is likely to be tolerated. In summary, the available evidence is currently insufficient to determine the role of this variant in disease. Therefore, it has been classified as a Variant of Uncertain Significance.

NM_012330.4(KAT6B):c.1401G>C (p.Lys467Asn)

Gene: KAT6B (lysine acetyltransferase 6B; plus strand). Cytogenetic location: 10q22.2.
Variant type: single nucleotide variant.
Coding change: c.1401G>C on transcript NM_012330.4 (MANE Select); coding-DNA position 1401, G replaced by C.
Protein change: p.Lys467Asn; replaces lysine 467 with asparagine.
Molecular consequence: missense variant. On other transcripts: intron variant (11).
Genome position (GRCh38, 1-based): chr10:74,975,738, G>C. VCF-style: chr10-74975738-G-C. GRCh37 (hg19) VCF-style: chr10-76735496-G-C.
Other names: c.1401G>C, p.Lys467Asn (NM_001256468.2, NM_001370136.1, NM_001370137.1 and 1 more transcripts); c.1117+284G>C (NM_001370139.1, NM_001370140.1, NM_001370141.1 and 3 more transcripts); c.846+5963G>C (NM_001370133.1); c.193-3486G>C (NM_001370134.1); c.929-1578G>C (NM_001370143.1, NM_001370144.1); c.193-13281G>C (NM_001370135.1); short protein forms K467N.
Identifiers: ClinVar variation 4799385 (VCV004799385.1).
Genomic context (GRCh38, chr10:74,975,738, plus strand): 5'-TGGTCGCAGATCACGAGGTGAAATTATAGACTTTTCAAAGCACTATCGTCCAAGGAAAAA[G>C]GTCTCTCAGAAACAGTCATGCACTTCTCATGTGTTGGCTACAGGTACCACACAAAAGCTA-3'
Protein context (NP_036462.2, residues 457-477): DFSKHYRPRK[Lys467Asn]VSQKQSCTSH